The following is an entry in ClinVar:

NM_173651.4(FSIP2):c.717A>G (p.Glu239=)

Gene: FSIP2 (fibrous sheath interacting protein 2; plus strand). Cytogenetic location: 2q32.1.
Variant type: single nucleotide variant.
Coding change: c.717A>G on transcript NM_173651.4 (MANE Select); coding-DNA position 717, A replaced by G.
Protein change: p.Glu239=; no amino-acid change (glutamic acid 239 retained).
Molecular consequence: synonymous variant.
Genome position (GRCh38, 1-based): chr2:185,746,768, A>G. VCF-style: chr2-185746768-A-G. GRCh37 (hg19) VCF-style: chr2-186611495-A-G.
Identifiers: ClinVar variation 3033838 (VCV003033838.2), dbSNP rs182335822, ClinGen allele CA2016458.
Genomic context (GRCh38, chr2:185,746,768, plus strand): 5'-ACGCACAGCAGAAGAACAACGCCTATTCCTAATGGATAGAGAAGAAAGACGACAGCGGGA[A>G]CACACAAGAAGAAAACTTACTCTTCGTAGAAAAATAGAAGAGGTGAGAGACAACAACTTT-3'
Protein context (NP_775922.3, residues 229-249): LMDREERRQR[Glu239=]HTRRKLTLRR

ClinVar aggregate classification (germline): Benign (0 of 4 stars; one submission).

Conditions:
FSIP2-related disorder. Also called: FSIP2-related condition.

Allele frequency attached by ClinVar (database versions not stated): gnomAD exomes 0.00015; ExAC 0.00035; gnomAD 0.00163; 1000 Genomes Project 0.00180; TOPMed 0.00188; 1000 Genomes Project 30x 0.00265.
gnomAD v4.1: 460 of 1,530,104 alleles (0.03%); highest among the groups gnomAD compares: African/African-American, 0.59%; 3 homozygotes.

Submission:

PreventionGenetics, part of Exact Sciences
Classification: Benign for FSIP2-related condition. Last evaluated: 2019-10-28. Review status: no assertion criteria provided. Collection method: clinical testing. Allele origin: germline.
Comment: This variant is classified as benign based on ACMG/AMP sequence variant interpretation guidelines (Richards et al. 2015 PMID: 25741868, with internal and published modifications).